The following is an entry in ClinVar:

NM_182919.4(TICAM1):c.767C>T (p.Pro256Leu)

Gene: TICAM1 (TIR domain containing adaptor molecule 1; minus strand). Cytogenetic location: 19p13.3.
Variant type: single nucleotide variant.
Coding change: c.767C>T on transcript NM_182919.4 (MANE Select); coding-DNA position 767, C replaced by T.
Protein change: p.Pro256Leu; replaces proline 256 with leucine.
Molecular consequence: missense variant.
Genome position (GRCh38, 1-based): chr19:4,817,611, G>A on the plus strand (C>T on the coding strand, the complement: TICAM1 is on the minus strand). VCF-style: chr19-4817611-G-A. GRCh37 (hg19) VCF-style: chr19-4817623-G-A.
Other names: c.725C>T, p.Pro242Leu (NM_001385678.1); c.632C>T, p.Pro211Leu (NM_001385679.1); c.125C>T, p.Pro42Leu (NM_001385680.1); c.767C>T (NM_182919.2); short protein forms P211L, P242L, P42L, P256L.
Identifiers: ClinVar variation 1423731 (VCV001423731.7), dbSNP rs370345154, ClinGen allele CA9105281.

ClinVar aggregate classification (germline): Uncertain significance. Review status: criteria provided, multiple submitters, no conflicts (2 of 4 stars). 2 submissions from 2 submitters: Uncertain significance (2). Last evaluated 2025-10-23.

Conditions:
Encephalopathy, acute, infection-induced (herpes-specific), susceptibility to, 6. Also called: Herpes simplex encephalitis, susceptibility to, 4. Identifiers: Orphanet 1930, MedGen C3553869, MONDO:0013921, OMIM 614850.

Allele frequency attached by ClinVar (database versions not stated): ExAC 0.00002; gnomAD 0.00001; ESP Exome Variant Server 0.00008; gnomAD exomes 0.00001; TOPMed 0.00001.
gnomAD v4.1: 23 of 1,598,342 alleles (0.0014%); highest among the groups gnomAD compares: South Asian, 0.0056%; no homozygotes.

Submissions (2):

Ambry Genetics
Classification: Uncertain significance. Last evaluated: 2025-10-23. Review status: criteria provided, single submitter. Criteria: Ambry Variant Classification Scheme 2023. Collection method: clinical testing. Allele origin: germline.

Labcorp Genetics (formerly Invitae), Labcorp
Classification: Uncertain significance for Encephalopathy, acute, infection-induced (herpes-specific), susceptibility to, 6. Last evaluated: 2022-08-16. Review status: criteria provided, single submitter. Criteria: Invitae Variant Classification Sherloc (09022015). Collection method: clinical testing. Allele origin: germline.
Comment: In summary, the available evidence is currently insufficient to determine the role of this variant in disease. Therefore, it has been classified as a Variant of Uncertain Significance. Algorithms developed to predict the effect of missense changes on protein structure and function are either unavailable or do not agree on the potential impact of this missense change (SIFT: "Deleterious"; PolyPhen-2: "Probably Damaging"; Align-GVGD: "Class C0"). ClinVar contains an entry for this variant (Variation ID: 1423731). This variant has not been reported in the literature in individuals affected with TICAM1-related conditions. This variant is present in population databases (rs370345154, gnomAD 0.004%). This sequence change replaces proline, which is neutral and non-polar, with leucine, which is neutral and non-polar, at codon 256 of the TICAM1 protein (p.Pro256Leu).